The following is an entry in ClinVar:

NM_024009.3(GJB3):c.250G>A (p.Val84Ile)

Gene: GJB3 (gap junction protein beta 3; plus strand). Cytogenetic location: 1p34.3.
Variant type: single nucleotide variant.
Coding change: c.250G>A on transcript NM_024009.3 (MANE Select); coding-DNA position 250, G replaced by A.
Protein change: p.Val84Ile; replaces valine 84 with isoleucine.
Molecular consequence: missense variant.
Genome position (GRCh38, 1-based): chr1:34,785,012, G>A. VCF-style: chr1-34785012-G-A. GRCh37 (hg19) VCF-style: chr1-35250613-G-A.
Other names: c.250G>A, p.Val84Ile (NM_001005752.2); short protein forms V84I.
Identifiers: ClinVar variation 786722 (VCV000786722.15), dbSNP rs145751680, ClinGen allele CA754785.
Genomic context (GRCh38, chr1:34,785,012, plus strand): 5'-TGCTACGACAACTACTTCCCCATCTCCAACATCCGCCTCTGGGCCCTGCAGCTCATCTTC[G>A]TCACATGCCCCTCGCTGCTGGTCATCCTGCACGTGGCCTACCGTGAGGAGCGGGAGCGCC-3'
Protein context (NP_076872.1, residues 74-94): IRLWALQLIF[Val84Ile]TCPSLLVILH

ClinVar aggregate classification (germline): Benign/Likely benign. Review status: criteria provided, multiple submitters, no conflicts (2 of 4 stars). 4 submissions from 4 submitters: Benign (2); Likely benign (2). Last evaluated 2025-11-22.

Conditions:
Erythrokeratodermia variabilis et progressiva 1 (EKVP1). Also called: ERYTHROKERATODERMIA FIGURATA, CONGENITAL FAMILIAL, IN PLAQUES; ERYTHROKERATODERMIA VARIABILIS WITH ERYTHEMA GYRATUM REPENS; ERYTHROKERATODERMIA, PROGRESSIVE SYMMETRIC. Identifiers: Orphanet 317, MedGen C4551486, MONDO:0033010, OMIM 133200.
Autosomal recessive nonsyndromic hearing loss 1A (DFNB1A). Also called: Nonsyndromic Hearing Loss and Deafness, DFNB1; GJB6-Related DFNB 1 Nonsyndromic Hearing Loss and Deafness; Deafness, autosomal recessive 1A; GJB2-Related Autosomal Recessive Nonsyndromic Hearing Loss; Connexin 26 deafness; Deafness nonsyndromic, Connexin 26 linked. Identifiers: Orphanet 90636, MedGen C2673759, MONDO:0009076, OMIM 220290.
Autosomal dominant nonsyndromic hearing loss 2B. Also called: DEAFNESS, AUTOSOMAL DOMINANT, WITH OR WITHOUT PERIPHERAL NEUROPATHY. Identifiers: Orphanet 90635, MedGen C2675236, MONDO:0012976, OMIM 612644.
GJB3-related disorder. Also called: GJB3-related condition.

Allele frequency attached by ClinVar (database versions not stated): gnomAD 0.00013 and 0.00025; TOPMed 0.00016; gnomAD exomes 0.00035 and 0.00039; ExAC 0.00046; 1000 Genomes Project 30x 0.00078; 1000 Genomes Project 0.00100.
gnomAD v4.1: 539 of 1,614,168 alleles (0.033%); highest among the groups gnomAD compares: East Asian, 1.1%; 4 homozygotes.

Submissions (4):

PreventionGenetics, part of Exact Sciences
Classification: Likely benign for GJB3-related condition. Last evaluated: 2025-11-22. Review status: criteria provided, single submitter. Criteria: ACMG Guidelines, 2015. Collection method: clinical testing. Allele origin: germline.
Comment: This variant is classified as likely benign based on ACMG/AMP sequence variant interpretation guidelines (Richards et al. 2015 PMID: 25741868, with internal and published modifications).

Labcorp Genetics (formerly Invitae), Labcorp
Classification: Benign. Last evaluated: 2025-06-16. Review status: criteria provided, single submitter. Criteria: Invitae Variant Classification Sherloc (09022015). Collection method: clinical testing. Allele origin: germline.

Fulgent Genetics
Classification: Likely benign for Erythrokeratodermia variabilis et progressiva 1; Autosomal recessive nonsyndromic hearing loss 1A; Autosomal dominant nonsyndromic hearing loss 2B. Last evaluated: 2021-07-15. Review status: criteria provided, single submitter. Criteria: ACMG Guidelines, 2015. Collection method: clinical testing. Allele origin: unknown.

Illumina Laboratory Services, Illumina
Classification: Benign for Erythrokeratodermia variabilis et progressiva 1. Last evaluated: 2017-05-05. Review status: criteria provided, single submitter. Criteria: ICSL Variant Classification Criteria 13 December 2019. Collection method: clinical testing. Allele origin: germline.
Comment: This variant was observed as part of a predisposition screen in an ostensibly healthy population. A literature search was performed for the gene, cDNA change, and amino acid change (where applicable). No publications were found based on this search. Allele frequency data from public databases was too high to be consistent with this variant causing disease. Therefore, this variant is classified as benign.